The following is an entry in ClinVar:

NM_002473.6(MYH9):c.4753A>C (p.Lys1585Gln)

Gene: MYH9 (myosin heavy chain 9; minus strand). Cytogenetic location: 22q12.3.
Variant type: single nucleotide variant.
Coding change: c.4753A>C on transcript NM_002473.6 (MANE Select); coding-DNA position 4753, A replaced by C.
Protein change: p.Lys1585Gln; replaces lysine 1585 with glutamine.
Genome position (GRCh38, 1-based): chr22:36,288,744, T>G on the plus strand (A>C on the coding strand, the complement: MYH9 is on the minus strand). VCF-style: chr22-36288744-T-G. GRCh37 (hg19) VCF-style: chr22-36684790-T-G.
Other names: short protein forms K1585Q.
Identifiers: ClinVar variation 1691804 (VCV001691804.9), dbSNP rs149169068, ClinGen allele CA10209304.

ClinVar aggregate classification (germline): Conflicting classifications of pathogenicity. Review status: criteria provided, conflicting classifications (1 of 4 stars). 3 submissions from 3 submitters: Uncertain significance (2); Likely benign (1). Last evaluated 2025-10-13.

Conditions:
Autosomal dominant nonsyndromic hearing loss 17. Also called: Deafness, autosomal dominant 17; Autosomal dominant nonsyndromic deafness 17. Identifiers: Orphanet 90635, MedGen C1863659, MONDO:0011350, OMIM 603622.
Macrothrombocytopenia and granulocyte inclusions with or without nephritis or sensorineural hearing loss (MATINS). Also called: SEBASTIAN PLATELET SYNDROME; MACROTHROMBOCYTOPENIA WITH DISPERSED LEUKOCYTIC INCLUSIONS; MACROTHROMBOCYTOPENIA, NEPHRITIS, AND DEAFNESS; MACROTHROMBOCYTOPENIA, NEPHRITIS, DEAFNESS, AND LEUKOCYTE INCLUSIONS; ALPORT SYNDROME WITH MACROTHROMBOCYTOPENIA; Fechtner syndrome. Identifiers: Orphanet 182050, MedGen C5200934, MONDO:0015912, OMIM 155100.

Allele frequency attached by ClinVar (database versions not stated): TOPMed 0.00004; ExAC 0.00005; gnomAD 0.00006; gnomAD exomes 0.00007 and 0.00008; ESP Exome Variant Server 0.00008.
gnomAD v4.1: 126 of 1,604,722 alleles (0.0079%); highest among the groups gnomAD compares: Admixed American, 0.01%; no homozygotes.

Submissions (3):

Labcorp Genetics (formerly Invitae), Labcorp
Classification: Likely benign. Last evaluated: 2025-10-13. Review status: criteria provided, single submitter. Criteria: Invitae Variant Classification Sherloc (09022015). Collection method: clinical testing. Allele origin: germline.

GeneDx
Classification: Uncertain significance. Last evaluated: 2025-08-22. Review status: criteria provided, single submitter. Criteria: GeneDx Variant Classification Process June 2021. Collection method: clinical testing. Allele origin: germline. Affected: yes.
Comment: In silico analysis suggests that this missense variant does not alter protein structure/function; Has not been previously published as pathogenic or benign to our knowledge

Fulgent Genetics
Classification: Uncertain significance for Macrothrombocytopenia and granulocyte inclusions with or without nephritis or sensorineural hearing loss; Autosomal dominant nonsyndromic hearing loss 17. Last evaluated: 2022-03-28. Review status: criteria provided, single submitter. Criteria: ACMG Guidelines, 2015. Collection method: clinical testing. Allele origin: unknown.